The following is an entry in ClinVar:

NM_032816.5(CEP89):c.1700A>C (p.Glu567Ala)

Gene: CEP89 (centrosomal protein 89; minus strand). Cytogenetic location: 19q13.11.
Variant type: single nucleotide variant.
Coding change: c.1700A>C on transcript NM_032816.5 (MANE Select); coding-DNA position 1700, A replaced by C.
Protein change: p.Glu567Ala; replaces glutamic acid 567 with alanine.
Molecular consequence: missense variant.
Genome position (GRCh38, 1-based): chr19:32,901,278, T>G on the plus strand (A>C on the coding strand, the complement: CEP89 is on the minus strand). VCF-style: chr19-32901278-T-G. GRCh37 (hg19) VCF-style: chr19-33392184-T-G.
Other names: c.1700A>C (NM_032816.3); short protein forms E567A.
Identifiers: ClinVar variation 1515543 (VCV001515543.7), dbSNP rs377584191, ClinGen allele CA9359207.

ClinVar aggregate classification (germline): Uncertain significance. Review status: criteria provided, multiple submitters, no conflicts (2 of 4 stars). 2 submissions from 2 submitters: Uncertain significance (2). Last evaluated 2025-06-12.

Allele frequency attached by ClinVar (database versions not stated): 1000 Genomes Project 30x 0.00016; 1000 Genomes Project 0.00020.
gnomAD v4.1: 22 of 1,613,702 alleles (0.0014%); highest among the groups gnomAD compares: Admixed American, 0.025%; no homozygotes.

Submissions (2):

Labcorp Genetics (formerly Invitae), Labcorp
Classification: Uncertain significance. Last evaluated: 2025-06-12. Review status: criteria provided, single submitter. Criteria: Invitae Variant Classification Sherloc (09022015). Collection method: clinical testing. Allele origin: germline.
Comment: This sequence change replaces glutamic acid, which is acidic and polar, with alanine, which is neutral and non-polar, at codon 567 of the CEP89 protein (p.Glu567Ala). This variant is present in population databases (rs377584191, gnomAD 0.009%). This variant has not been reported in the literature in individuals affected with CEP89-related conditions. ClinVar contains an entry for this variant (Variation ID: 1515543). An algorithm developed to predict the effect of missense changes on protein structure and function (PolyPhen-2) suggests that this variant is likely to be tolerated. In summary, the available evidence is currently insufficient to determine the role of this variant in disease. Therefore, it has been classified as a Variant of Uncertain Significance.

Ambry Genetics
Classification: Uncertain significance. Last evaluated: 2024-01-23. Review status: criteria provided, single submitter. Criteria: Ambry Variant Classification Scheme 2023. Collection method: clinical testing. Allele origin: germline.